The following is an entry in ClinVar:

ClinVar aggregate classification (germline): Likely benign. Review status: criteria provided, multiple submitters, no conflicts (2 of 4 stars). 4 submissions from 4 submitters: Likely benign (3). 1 of the submissions does not count toward it. Last evaluated 2026-01-27.

Conditions:
Acrocallosal syndrome (ACLS). Also called: HALLUX DUPLICATION, POSTAXIAL POLYDACTYLY, AND ABSENCE OF CORPUS CALLOSUM; Schinzel syndrome 1; Absence of corpus callosum with unusual facial appearance, mental deficiency, duplication of the halluces and polydactyly. Identifiers: Orphanet 36, MedGen C0796147, MONDO:0008708, OMIM 200990.
KIF7-related disorder. Also called: KIF7-related condition.

Allele frequency attached by ClinVar (database versions not stated): gnomAD 0.00010 and 0.00011; TOPMed 0.00010; gnomAD exomes 0.00017; ESP Exome Variant Server 0.00023; ExAC 0.00026.
gnomAD v4.1: 243 of 1,611,916 alleles (0.015%); highest among the groups gnomAD compares: Non-Finnish European, 0.019%; no homozygotes.

Submissions (4):

Labcorp Genetics (formerly Invitae), Labcorp
Classification: Likely benign for Acrocallosal syndrome. Last evaluated: 2026-01-27. Review status: criteria provided, single submitter. Criteria: Invitae Variant Classification Sherloc (09022015). Collection method: clinical testing. Allele origin: germline.

Blueprint Genetics
Classification: Likely benign. Last evaluated: 2024-10-09. Review status: criteria provided, single submitter. Criteria: ACMG Guidelines, 2015. Collection method: clinical testing. Allele origin: germline.

CeGaT Center for Human Genetics Tuebingen
Classification: Likely benign. Last evaluated: 2021-08-01. Review status: criteria provided, single submitter. Criteria: CeGaT Center For Human Genetics Tuebingen Variant Classification Criteria Version 2. Collection method: clinical testing. Allele origin: germline. Affected: yes. Observed: 1 variant allele.

PreventionGenetics, part of Exact Sciences
Classification: Likely benign for KIF7-related condition. Last evaluated: 2019-07-22. Review status: no assertion criteria provided. Collection method: clinical testing. Allele origin: germline. Not counted in ClinVar's aggregate classification.
Comment: This variant is classified as likely benign based on ACMG/AMP sequence variant interpretation guidelines (Richards et al. 2015 PMID: 25741868, with internal and published modifications).

NM_198525.3(KIF7):c.3525C>T (p.Leu1175=)

Genes: KIF7 (kinesin family member 7; minus strand), LOC126862216 (BRD4-independent group 4 enhancer GRCh37_chr15:90171995-90173194; plus strand). Cytogenetic location: 15q26.1.
Variant type: single nucleotide variant.
Coding change: c.3525C>T on transcript NM_198525.3 (MANE Select); coding-DNA position 3525, C replaced by T.
Protein change: p.Leu1175=; no amino-acid change (leucine 1175 retained).
Molecular consequence: synonymous variant.
Genome position (GRCh38, 1-based): chr15:89,629,115, G>A on the plus strand (C>T on the coding strand, the complement: KIF7 is on the minus strand). VCF-style: chr15-89629115-G-A. GRCh37 (hg19) VCF-style: chr15-90172346-G-A.
Other names: c.3525C>T (NM_198525.2).
Identifiers: ClinVar variation 1298637 (VCV001298637.43), dbSNP rs145915541, ClinGen allele CA7727646.
Genomic context (GRCh38, chr15:89,629,115, plus strand): 5'-CTTCTCCAGAGCTTGAATCCGGGCCTCATACTGCCTCCTGCTGTCTGCTAACCCTTCACC[G>A]AGGTGGTCTAGAGTGGAAAGGTCGAGGAGAGGGTGGTGAGGGCTGCAGGCGGGGCAGGCG-3'
Protein context (NP_940927.2, residues 1165-1185): QLLLQQSRDH[Leu1175=]GEGLADSRRQ